The following is an entry in ClinVar:

ClinVar aggregate classification (germline): Uncertain significance (1 of 4 stars; one submission).

Allele frequency attached by ClinVar (database versions not stated): gnomAD 0.00001; gnomAD exomes 0.00001; ExAC 0.00002; TOPMed 0.00004.
gnomAD v4.1: 16 of 1,613,368 alleles (0.00099%); highest among the groups gnomAD compares: African/African-American, 0.0053%; no homozygotes.

Submission:

Labcorp Genetics (formerly Invitae), Labcorp
Classification: Uncertain significance. Last evaluated: 2023-12-11. Review status: criteria provided, single submitter. Criteria: Invitae Variant Classification Sherloc (09022015). Collection method: clinical testing. Allele origin: germline.
Comment: This sequence change replaces serine, which is neutral and polar, with leucine, which is neutral and non-polar, at codon 190 of the GUCY2C protein (p.Ser190Leu). This variant is present in population databases (rs769797661, gnomAD 0.006%). This variant has not been reported in the literature in individuals affected with GUCY2C-related conditions. ClinVar contains an entry for this variant (Variation ID: 2093146). Advanced modeling of protein sequence and biophysical properties (such as structural, functional, and spatial information, amino acid conservation, physicochemical variation, residue mobility, and thermodynamic stability) performed at Invitae indicates that this missense variant is not expected to disrupt GUCY2C protein function with a negative predictive value of 80%. In summary, the available evidence is currently insufficient to determine the role of this variant in disease. Therefore, it has been classified as a Variant of Uncertain Significance.

NM_004963.4(GUCY2C):c.569C>T (p.Ser190Leu)

Genes: GUCY2C (guanylate cyclase 2C; minus strand), GUCY2C-AS1 (GUCY2C antisense RNA 1; plus strand). Cytogenetic location: 12p12.3.
Variant type: single nucleotide variant.
Coding change: c.569C>T on transcript NM_004963.4 (MANE Select); coding-DNA position 569, C replaced by T.
Protein change: p.Ser190Leu; replaces serine 190 with leucine.
Molecular consequence: missense variant.
Genome position (GRCh38, 1-based): chr12:14,683,084, G>A on the plus strand (C>T on the coding strand, the complement: GUCY2C is on the minus strand). VCF-style: chr12-14683084-G-A. GRCh37 (hg19) VCF-style: chr12-14836018-G-A.
Other names: short protein forms S190L.
Identifiers: ClinVar variation 2093146 (VCV002093146.2), dbSNP rs769797661, ClinGen allele CA6463724.
Genomic context (GRCh38, chr12:14,683,084, plus strand): 5'-ATTAATGATCCTGCTTACCAGAAACAGTCCTCAGTTTCTGTACCATTCTTGTAAACATAC[G>A]AAGTGCTCCAGGAATAAGTTTTGAAGGGCAGATCGTTGGTTTTCCAAAAGTTAACCAAGA-3'
Protein context (NP_004954.2, residues 180-200): LPFKTYSWST[Ser190Leu]YVYKNGTETE